The following is an entry in ClinVar:

ClinVar aggregate classification (germline): Uncertain significance (1 of 4 stars; one submission).

Conditions:
Hereditary cancer-predisposing syndrome. Also called: Hereditary Cancer Syndrome; Neoplastic Syndromes, Hereditary; Tumor predisposition; Hereditary neoplastic syndrome. Identifiers: Orphanet 140162, MedGen C0027672, MeSH D009386, MONDO:0015356.

Allele frequency attached by ClinVar (database versions not stated): gnomAD exomes below 0.00001; gnomAD 0.00001; TOPMed 0.00001; ESP Exome Variant Server 0.00008.
gnomAD v4.1: 3 of 1,613,612 alleles (0.00019%); highest among the groups gnomAD compares: African/African-American, 0.004%; no homozygotes.

Submission:

Ambry Genetics
Classification: Uncertain significance for Hereditary cancer-predisposing syndrome. Last evaluated: 2025-05-10. Review status: criteria provided, single submitter. Criteria: Ambry Variant Classification Scheme 2023. Collection method: clinical testing. Allele origin: germline.
Comment: The p.I179T variant (also known as c.536T>C), located in coding exon 1 of the GREM1 gene, results from a T to C substitution at nucleotide position 536. The isoleucine at codon 179 is replaced by threonine, an amino acid with similar properties. This amino acid position is conserved. In addition, the in silico prediction for this alteration is inconclusive. Since supporting evidence is limited at this time, the clinical significance of this alteration remains unclear.

NM_013372.7(GREM1):c.536T>C (p.Ile179Thr)

Gene: GREM1 (gremlin 1, DAN family BMP antagonist; plus strand). Cytogenetic location: 15q13.3.
Variant type: single nucleotide variant.
Coding change: c.536T>C on transcript NM_013372.7 (MANE Select); coding-DNA position 536, T replaced by C.
Protein change: p.Ile179Thr; replaces isoleucine 179 with threonine.
Molecular consequence: missense variant.
Genome position (GRCh38, 1-based): chr15:32,731,226, T>C. VCF-style: chr15-32731226-T-C. GRCh37 (hg19) VCF-style: chr15-33023427-T-C.
Other names: c.326T>C, p.Ile109Thr (NM_001191322.2); c.413T>C, p.Ile138Thr (NM_001191323.2); c.536T>C, p.Ile179Thr (NM_001368719.1); short protein forms I109T, I179T, I138T.
Identifiers: ClinVar variation 1747101 (VCV001747101.4), dbSNP rs368726521, ClinGen allele CA268513646.